The following is an entry in ClinVar:

NM_021930.6(RINT1):c.2242A>C (p.Lys748Gln)

Genes: EFCAB10 (EF-hand calcium binding domain 10; minus strand), RINT1 (RAD50 interactor 1; plus strand). Cytogenetic location: 7q22.3.
Variant type: single nucleotide variant.
Coding change: c.2242A>C on transcript NM_021930.6 (MANE Select); coding-DNA position 2242, A replaced by C.
Protein change: p.Lys748Gln; replaces lysine 748 with glutamine.
Molecular consequence: missense variant. On other transcripts: 3 prime UTR variant (2), non-coding transcript variant (1), intron variant (3).
Genome position (GRCh38, 1-based): chr7:105,567,174, A>C. VCF-style: chr7-105567174-A-C. GRCh37 (hg19) VCF-style: chr7-105207621-A-C.
Other names: c.*280T>G (NM_001355527.2, NM_001355529.2); c.2008A>C, p.Lys670Gln (NM_001346599.2); c.1219A>C, p.Lys407Gln (NM_001346600.2, NM_001346603.2); c.1318A>C, p.Lys440Gln (NM_001346601.2); c.360-1727T>G (NM_001355531.2); c.383+293T>G (NM_001355526.2, NM_001355530.2); short protein forms K407Q, K440Q, K670Q, K748Q.
Identifiers: ClinVar variation 3227641 (VCV003227641.2), dbSNP rs2485202037, ClinGen allele CA368815463.

ClinVar aggregate classification (germline): Uncertain significance. Review status: criteria provided, multiple submitters, no conflicts (2 of 4 stars). 2 submissions from 2 submitters: Uncertain significance (2). Last evaluated 2025-06-10.

Submissions (2):

Labcorp Genetics (formerly Invitae), Labcorp
Classification: Uncertain significance. Last evaluated: 2025-06-10. Review status: criteria provided, single submitter. Criteria: Invitae Variant Classification Sherloc (09022015). Collection method: clinical testing. Allele origin: germline.
Comment: This sequence change replaces lysine, which is basic and polar, with glutamine, which is neutral and polar, at codon 748 of the RINT1 protein (p.Lys748Gln). This variant is not present in population databases (gnomAD no frequency). This variant has not been reported in the literature in individuals affected with RINT1-related conditions. ClinVar contains an entry for this variant (Variation ID: 3227641). An algorithm developed to predict the effect of missense changes on protein structure and function (PolyPhen-2) suggests that this variant is likely to be tolerated. In summary, the available evidence is currently insufficient to determine the role of this variant in disease. Therefore, it has been classified as a Variant of Uncertain Significance.

Ambry Genetics
Classification: Uncertain significance. Last evaluated: 2024-01-29. Review status: criteria provided, single submitter. Criteria: Ambry Variant Classification Scheme 2023. Collection method: clinical testing. Allele origin: germline.
Comment: The p.K748Q variant (also known as c.2242A>C), located in coding exon 15 of the RINT1 gene, results from an A to C substitution at nucleotide position 2242. The lysine at codon 748 is replaced by glutamine, an amino acid with similar properties. This amino acid position is conserved. In addition, this alteration is predicted to be tolerated by in silico analysis. Based on the available evidence, the clinical significance of this alteration remains unclear.